The following is an entry in ClinVar:

NM_000218.3(KCNQ1):c.1394-19958A>G

Genes: KCNQ1OT1 (KCNQ1 opposite strand/antisense transcript 1; minus strand), KCNQ1 (potassium voltage-gated channel subfamily Q member 1; plus strand). Cytogenetic location: 11p15.5.
Variant type: single nucleotide variant.
Coding change: c.1394-19958A>G on transcript NM_000218.3 (MANE Select); 19958 bases into the intron before coding-DNA position 1394, A replaced by G.
Molecular consequence: intron variant. On other transcripts: non-coding transcript variant (1).
Genome position (GRCh38, 1-based): chr11:2,642,003, A>G. VCF-style: chr11-2642003-A-G. GRCh37 (hg19) VCF-style: chr11-2663233-A-G.
Other names: c.1124-19958A>G (NM_001406837.1); c.1298-19958A>G (NM_001406836.1); c.854-19958A>G (NM_001406838.1); c.1013-19958A>G (NM_181798.2).
Identifiers: ClinVar variation 2641410 (VCV002641410.24), dbSNP rs187059749, ClinGen allele CA216155218.
Genomic context (GRCh38, chr11:2,642,003, plus strand): 5'-AATACATGGATTTACTTCCAGGTTCTACTCTGTTCCATTGGTCTATCAGTTTTTATTCCA[A>G]TACCATGCTGCTTTTAATGCTATAGCCTTATATTTTTAAATCAGGCAGTGTGATGCATCC-3'

ClinVar aggregate classification (germline): Likely benign (1 of 4 stars; one submission).

Allele frequency attached by ClinVar (database versions not stated): 1000 Genomes Project 30x 0.00078; 1000 Genomes Project 0.00080; gnomAD 0.00124; gnomAD exomes 0.00131; TOPMed 0.00137.
gnomAD v4.1: 521 of 398,348 alleles (0.13%); highest among the groups gnomAD compares: Admixed American, 0.22%; 3 homozygotes.

Submission:

CeGaT Center for Human Genetics Tuebingen
Classification: Likely benign. Last evaluated: 2026-09-01. Review status: criteria provided, single submitter. Criteria: CeGaT Center For Human Genetics Tuebingen Variant Classification Criteria Version 2. Collection method: clinical testing. Allele origin: germline. Affected: yes. Observed: 15 variant alleles.
Comment: KCNQ1OT1: BS2